The following is an entry in ClinVar:

ClinVar aggregate classification (germline): Likely benign (0 of 4 stars; one submission).

Conditions:
NDNF-related condition.

gnomAD v4.1: 147 of 1,614,136 alleles (0.0091%); highest among the groups gnomAD compares: African/African-American, 0.17%; 1 homozygote.

Submission:

PreventionGenetics, part of Exact Sciences
Classification: Likely benign for NDNF-related condition. Last evaluated: 2024-08-20. Review status: no assertion criteria provided. Collection method: clinical testing. Allele origin: germline.
Comment: This variant is classified as likely benign based on ACMG/AMP sequence variant interpretation guidelines (Richards et al. 2015 PMID: 25741868, with internal and published modifications).

NM_024574.4(NDNF):c.701A>G (p.Asp234Gly)

Gene: NDNF (neuron derived neurotrophic factor; minus strand). Cytogenetic location: 4q27.
Variant type: single nucleotide variant.
Coding change: c.701A>G on transcript NM_024574.4 (MANE Select); coding-DNA position 701, A replaced by G.
Protein change: p.Asp234Gly; replaces aspartic acid 234 with glycine.
Molecular consequence: missense variant.
Genome position (GRCh38, 1-based): chr4:121,037,270, T>C on the plus strand (A>G on the coding strand, the complement: NDNF is on the minus strand). VCF-style: chr4-121037270-T-C. GRCh37 (hg19) VCF-style: chr4-121958425-T-C.
Other names: short protein forms D234G.
Identifiers: ClinVar variation 3350301 (VCV003350301.1).
Genomic context (GRCh38, chr4:121,037,270, plus strand): 5'-TGGGCAAAGTCAAAGGGGCTGAAGTCCAGACCAGGTTTCGGTGCCATCATAAAAGCATCA[T>C]CTGCACTCAGTTTTGCTTCCACTGCACAGAGACTTTTGAAATTGTGCTCTTTGTTGATGA-3'
Protein context (NP_078850.3, residues 224-244): LCAVEAKLSA[Asp234Gly]DAFMMAPKPG